The following is an entry in ClinVar:

ClinVar aggregate classification (germline): Likely benign. Review status: criteria provided, multiple submitters, no conflicts (2 of 4 stars). 7 submissions from 7 submitters: Likely benign (7). Last evaluated 2025-12-27.

Conditions:
Cardiovascular phenotype. Identifiers: MedGen CN230736.
Cardiomyopathy (CMYO). Also called: Cardiomyopathies. Identifiers: Orphanet 167848, MedGen C0878544, MONDO:0004994, HP:0001638. Inheritance: Various modes of inheritance.
Hypertrophic cardiomyopathy. Also called: HYPERTROPHIC MYOCARDIOPATHY. Identifiers: Orphanet 217569, MedGen C0007194, MeSH D002312, MONDO:0005045, HP:0001639.

Allele frequency attached by ClinVar (database versions not stated): gnomAD exomes 0.00001 and 0.00004; TOPMed 0.00002; gnomAD 0.00004.
gnomAD v4.1: 58 of 1,551,008 alleles (0.0037%); highest among the groups gnomAD compares: Non-Finnish European, 0.0048%; no homozygotes.

Submissions (7):

Labcorp Genetics (formerly Invitae), Labcorp
Classification: Likely benign for Hypertrophic cardiomyopathy. Last evaluated: 2025-12-27. Review status: criteria provided, single submitter. Criteria: Invitae Variant Classification Sherloc (09022015). Collection method: clinical testing. Allele origin: germline.

Blueprint Genetics
Classification: Likely benign. Last evaluated: 2024-09-11. Review status: criteria provided, single submitter. Criteria: ACMG Guidelines, 2015. Collection method: clinical testing. Allele origin: germline.

All of Us Research Program, National Institutes of Health
Classification: Likely benign for Hypertrophic cardiomyopathy. Last evaluated: 2023-06-28. Review status: criteria provided, single submitter. Criteria: ACMG Guidelines, 2015. Collection method: clinical testing. Allele origin: germline. Inheritance: Autosomal dominant inheritance. Observed: 4 variant alleles, 4 heterozygotes.
Comment: This study involves interpretation of variants in research participants for the purpose of population health screening. Participant phenotype was not available at the time of variant classification. Additional details can be found in publication PMID: 35346344, PMCID: PMC8962531

Women's Health and Genetics/Laboratory Corporation of America, LabCorp
Classification: Likely benign. Last evaluated: 2023-05-22. Review status: criteria provided, single submitter. Criteria: LabCorp Variant Classification Summary - May 2015. Collection method: clinical testing. Allele origin: germline.

Ambry Genetics
Classification: Likely benign for Cardiovascular phenotype. Last evaluated: 2022-10-27. Review status: criteria provided, single submitter. Criteria: Ambry Variant Classification Scheme 2023. Collection method: clinical testing. Allele origin: germline.

Color Diagnostics, LLC DBA Color Health
Classification: Likely benign for Cardiomyopathy. Last evaluated: 2019-02-28. Review status: criteria provided, single submitter. Criteria: ACMG Guidelines, 2015. Collection method: clinical testing. Allele origin: germline.

Laboratory for Molecular Medicine, Mass General Brigham Personalized Medicine
Classification: Likely benign. Last evaluated: 2010-12-28. Review status: criteria provided, single submitter. Criteria: LMM Criteria. Collection method: clinical testing. Allele origin: germline. Observed: 1 variant allele.
Comment: This variant is not expected to have clinical significance because it does not a lter an amino acid residue and is not located near a splice junction.

NM_000256.3(MYBPC3):c.2319C>T (p.Asp773=)

Gene: MYBPC3 (myosin binding protein C3; minus strand). Cytogenetic location: 11p11.2.
Variant type: single nucleotide variant.
Coding change: c.2319C>T on transcript NM_000256.3 (MANE Select); coding-DNA position 2319, C replaced by T.
Protein change: p.Asp773=; no amino-acid change (aspartic acid 773 retained).
Molecular consequence: synonymous variant.
Genome position (GRCh38, 1-based): chr11:47,337,784, G>A on the plus strand (C>T on the coding strand, the complement: MYBPC3 is on the minus strand). VCF-style: chr11-47337784-G-A. GRCh37 (hg19) VCF-style: chr11-47359335-G-A.
Identifiers: ClinVar variation 42617 (VCV000042617.19), dbSNP rs397515962, ClinGen allele CA012107.